The following is an entry in ClinVar:

NM_000426.4(LAMA2):c.8152G>A (p.Asp2718Asn)

Gene: LAMA2 (laminin subunit alpha 2; plus strand). Cytogenetic location: 6q22.33.
Variant type: single nucleotide variant.
Coding change: c.8152G>A on transcript NM_000426.4 (MANE Select); coding-DNA position 8152, G replaced by A.
Protein change: p.Asp2718Asn; replaces aspartic acid 2718 with asparagine.
Molecular consequence: missense variant.
Genome position (GRCh38, 1-based): chr6:129,492,391, G>A. VCF-style: chr6-129492391-G-A. GRCh37 (hg19) VCF-style: chr6-129813536-G-A.
Other names: c.8140G>A, p.Asp2714Asn (NM_001079823.2); short protein forms D2714N, D2718N.
Identifiers: ClinVar variation 4537968 (VCV004537968.1).

ClinVar aggregate classification (germline): Uncertain significance (1 of 4 stars; one submission).

gnomAD v4.1: 2 of 1,614,042 alleles (0.00012%); highest among the groups gnomAD compares: African/African-American, 0.0027%; no homozygotes.

Submission:

GeneDx
Classification: Uncertain significance. Last evaluated: 2025-06-06. Review status: criteria provided, single submitter. Criteria: GeneDx Variant Classification Process June 2021. Collection method: clinical testing. Allele origin: germline. Affected: yes.
Comment: Not observed at significant frequency in large population cohorts (gnomAD); In silico analysis suggests that this missense variant does not alter protein structure/function; Has not been previously published as pathogenic or benign to our knowledge